The following is an entry in ClinVar:

ClinVar aggregate classification (germline): Uncertain significance (1 of 4 stars; one submission).

Conditions:
Familial thoracic aortic aneurysm and aortic dissection (TAAD). Also called: Thoracic aortic aneurysms and dissections. Identifiers: Orphanet 91387, MedGen C4707243, MONDO:0019625.

Submission:

Ambry Genetics
Classification: Uncertain significance for Familial thoracic aortic aneurysm and aortic dissection. Last evaluated: 2024-10-28. Review status: criteria provided, single submitter. Criteria: Ambry Variant Classification Scheme 2023. Collection method: clinical testing. Allele origin: germline.
Comment: The p.G1260S variant (also known as c.3778G>A), located in coding exon 27 of the MED12 gene, results from a G to A substitution at nucleotide position 3778. The glycine at codon 1260 is replaced by serine, an amino acid with similar properties. This amino acid position is conserved. In addition, this alteration is predicted to be tolerated by in silico analysis. Based on the available evidence, the clinical significance of this variant remains unclear.

NM_005120.3(MED12):c.3778G>A (p.Gly1260Ser)

Gene: MED12 (mediator complex subunit 12; plus strand). Cytogenetic location: Xq13.1.
Variant type: single nucleotide variant.
Coding change: c.3778G>A on transcript NM_005120.3 (MANE Select); coding-DNA position 3778, G replaced by A.
Protein change: p.Gly1260Ser; replaces glycine 1260 with serine.
Molecular consequence: missense variant.
Genome position (GRCh38, 1-based): chrX:71,129,766, G>A. VCF-style: chrX-71129766-G-A. GRCh37 (hg19) VCF-style: chrX-70349616-G-A.
Other names: short protein forms G1260S.
Identifiers: ClinVar variation 3394485 (VCV003394485.1).